The following is an entry in ClinVar:

NM_001130144.3(LTBP3):c.592G>A (p.Gly198Arg)

Gene: LTBP3 (latent transforming growth factor beta binding protein 3; minus strand). Cytogenetic location: 11q13.1.
Variant type: single nucleotide variant.
Coding change: c.592G>A on transcript NM_001130144.3 (MANE Select); coding-DNA position 592, G replaced by A.
Protein change: p.Gly198Arg; replaces glycine 198 with arginine.
Molecular consequence: missense variant.
Genome position (GRCh38, 1-based): chr11:65,554,120, C>T on the plus strand (G>A on the coding strand, the complement: LTBP3 is on the minus strand). VCF-style: chr11-65554120-C-T. GRCh37 (hg19) VCF-style: chr11-65321591-C-T.
Other names: c.241G>A, p.Gly81Arg (NM_001164266.1); c.592G>A, p.Gly198Arg (NM_021070.4); short protein forms G198R, G81R.
Identifiers: ClinVar variation 1750552 (VCV001750552.2), dbSNP rs768687853, ClinGen allele CA6101201.

ClinVar aggregate classification (germline): Uncertain significance (1 of 4 stars; one submission).

Conditions:
Inborn genetic diseases. Identifiers: MedGen C0950123, MeSH D030342.

Allele frequency attached by ClinVar (database versions not stated): TOPMed below 0.00001; ExAC 0.00001; gnomAD exomes 0.00001.
gnomAD v4.1: 14 of 1,611,156 alleles (0.00087%); highest among the groups gnomAD compares: African/African-American, 0.0027%; no homozygotes.

Submission:

Ambry Genetics
Classification: Uncertain significance for Inborn genetic diseases. Last evaluated: 2022-08-20. Review status: criteria provided, single submitter. Criteria: Ambry Variant Classification Scheme 2023. Collection method: clinical testing. Allele origin: germline.
Comment: The p.G198R variant (also known as c.592G>A), located in coding exon 2 of the LTBP3 gene, results from a G to A substitution at nucleotide position 592. The glycine at codon 198 is replaced by arginine, an amino acid with dissimilar properties. This amino acid position is conserved. In addition, the in silico prediction for this alteration is inconclusive. Since supporting evidence is limited at this time, the clinical significance of this alteration remains unclear.